The following is an entry in ClinVar:

ClinVar aggregate classification (germline): Uncertain significance. Review status: criteria provided, multiple submitters, no conflicts (2 of 4 stars). 2 submissions from 2 submitters: Uncertain significance (2). Last evaluated 2025-11-05.

Conditions:
Early-infantile DEE. Also called: Early infantile epileptic encephalopathy; Early infantile epileptic encephalopathy with suppression bursts; Ohtahara syndrome. Identifiers: Orphanet 1934, MedGen C0393706, MONDO:0800491.

Submissions (2):

Labcorp Genetics (formerly Invitae), Labcorp
Classification: Uncertain significance for Early-infantile DEE. Last evaluated: 2025-11-05. Review status: criteria provided, single submitter. Criteria: Invitae Variant Classification Sherloc (09022015). Collection method: clinical testing. Allele origin: germline.
Comment: This sequence change replaces methionine, which is neutral and non-polar, with isoleucine, which is neutral and non-polar, at codon 1009 of the SCN1A protein (p.Met1009Ile). This variant is not present in population databases (gnomAD no frequency). This variant has not been reported in the literature in individuals affected with SCN1A-related conditions. ClinVar contains an entry for this variant (Variation ID: 3903334). Invitae Evidence Modeling of protein sequence and biophysical properties (such as structural, functional, and spatial information, amino acid conservation, physicochemical variation, residue mobility, and thermodynamic stability) indicates that this missense variant is not expected to disrupt SCN1A protein function with a negative predictive value of 95%. In summary, the available evidence is currently insufficient to determine the role of this variant in disease. Therefore, it has been classified as a Variant of Uncertain Significance.

GeneDx
Classification: Uncertain significance. Last evaluated: 2024-12-13. Review status: criteria provided, single submitter. Criteria: GeneDx Variant Classification Process June 2021. Collection method: clinical testing. Allele origin: germline. Affected: yes.
Comment: Not observed at significant frequency in large population cohorts (gnomAD); In silico analysis supports that this missense variant has a deleterious effect on protein structure/function; This substitution is predicted to be within the cytoplasmic loop between the second and third homologous domains; Has not been previously published as pathogenic or benign to our knowledge

NM_001165963.4(SCN1A):c.3027G>T (p.Met1009Ile)

Gene: SCN1A (sodium voltage-gated channel alpha subunit 1; minus strand). Cytogenetic location: 2q24.3.
Variant type: single nucleotide variant.
Coding change: c.3027G>T on transcript NM_001165963.4 (MANE Select); coding-DNA position 3027, G replaced by T.
Protein change: p.Met1009Ile; replaces methionine 1009 with isoleucine.
Molecular consequence: missense variant. On other transcripts: non-coding transcript variant (1).
Genome position (GRCh38, 1-based): chr2:166,036,450, C>A on the plus strand (G>T on the coding strand, the complement: SCN1A is on the minus strand). VCF-style: chr2-166036450-C-A. GRCh37 (hg19) VCF-style: chr2-166892960-C-A.
Other names: c.2943G>T, p.Met981Ile (NM_001165964.3, NM_001353957.2, NM_001353958.2); c.3027G>T, p.Met1009Ile (NM_001202435.3, NM_001353948.2); c.2994G>T, p.Met998Ile (NM_001353949.2, NM_001353950.2, NM_001353951.2 and 2 more transcripts); c.2991G>T, p.Met997Ile (NM_001353954.2, NM_001353955.2); c.2940G>T, p.Met980Ile (NM_001353960.2); c.585G>T, p.Met195Ile (NM_001353961.2); short protein forms M1009I, M195I, M980I, M981I, M997I, M998I.
Identifiers: ClinVar variation 3903334 (VCV003903334.2).
Genomic context (GRCh38, chr2:166,036,450, plus strand): 5'-TTTTCTTTTCACATAAGCTACTCCTTTGTGCATCCTATCCACAGCAATTTGGAGATTATT[C>A]ATTTCATTATCATCATCAGTGGCTGCAAGGTTGTCTGCACTAAATGAGCTCAGAAGCAAG-3'
Protein context (NP_001159435.1, residues 999-1019): NLAATDDDNE[Met1009Ile]NNLQIAVDRM